The following is an entry in ClinVar:

NM_001605.3(AARS1):c.118C>T (p.Leu40Phe)

Gene: AARS1 (alanyl-tRNA synthetase 1; minus strand). Cytogenetic location: 16q22.1.
Variant type: single nucleotide variant.
Coding change: c.118C>T on transcript NM_001605.3 (MANE Select); coding-DNA position 118, C replaced by T.
Protein change: p.Leu40Phe; replaces leucine 40 with phenylalanine.
Molecular consequence: missense variant.
Genome position (GRCh38, 1-based): chr16:70,282,646, G>A on the plus strand (C>T on the coding strand, the complement: AARS1 is on the minus strand). VCF-style: chr16-70282646-G-A. GRCh37 (hg19) VCF-style: chr16-70316549-G-A.
Other names: short protein forms L40F.
Identifiers: ClinVar variation 1682334 (VCV001682334.8), dbSNP rs1350361999, ClinGen allele CA396570386.

ClinVar aggregate classification (germline): Uncertain significance (1 of 4 stars; one submission).

Conditions:
Charcot-Marie-Tooth disease type 2. Also called: Charcot-Marie-Tooth type 2. Identifiers: Orphanet 64746, MedGen C0270914, MONDO:0018993.

Allele frequency attached by ClinVar (database versions not stated): gnomAD exomes below 0.00001.
gnomAD v4.1: 1 of 1,614,180 alleles (0.000062%); highest among the groups gnomAD compares: Admixed American, 0.0017%; no homozygotes.

Submission:

Labcorp Genetics (formerly Invitae), Labcorp
Classification: Uncertain significance for Charcot-Marie-Tooth disease type 2. Last evaluated: 2023-04-09. Review status: criteria provided, single submitter. Criteria: Invitae Variant Classification Sherloc (09022015). Collection method: clinical testing. Allele origin: germline.
Comment: This sequence change replaces leucine, which is neutral and non-polar, with phenylalanine, which is neutral and non-polar, at codon 40 of the AARS protein (p.Leu40Phe). In summary, the available evidence is currently insufficient to determine the role of this variant in disease. Therefore, it has been classified as a Variant of Uncertain Significance. Advanced modeling of protein sequence and biophysical properties (such as structural, functional, and spatial information, amino acid conservation, physicochemical variation, residue mobility, and thermodynamic stability) has been performed at Invitae for this missense variant, however the output from this modeling did not meet the statistical confidence thresholds required to predict the impact of this variant on AARS protein function. ClinVar contains an entry for this variant (Variation ID: 1682334). This variant has not been reported in the literature in individuals affected with AARS-related conditions. This variant is present in population databases (no rsID available, gnomAD 0.003%).